The following is an entry in ClinVar:

NM_000059.4(BRCA2):c.7499G>C (p.Arg2500Thr)

Gene: BRCA2 (BRCA2 DNA repair associated; plus strand). Cytogenetic location: 13q13.1.
Variant type: single nucleotide variant.
Coding change: c.7499G>C on transcript NM_000059.4 (MANE Select); coding-DNA position 7499, G replaced by C.
Protein change: p.Arg2500Thr; replaces arginine 2500 with threonine.
Molecular consequence: missense variant.
Genome position (GRCh38, 1-based): chr13:32,356,491, G>C. VCF-style: chr13-32356491-G-C. GRCh37 (hg19) VCF-style: chr13-32930628-G-C.
Other names: p.R2500T:AGG>ACG; 7727G>C; short protein forms R2500T.
Identifiers: ClinVar variation 38100 (VCV000038100.28), dbSNP rs80358976, ClinGen allele CA025119.

ClinVar aggregate classification (germline): Conflicting classifications of pathogenicity. Review status: criteria provided, conflicting classifications (1 of 4 stars). 10 submissions from 10 submitters: Uncertain significance (5); Benign (1); Likely benign (2). 2 of the submissions do not count toward it. Last evaluated 2026-01-30.

Conditions:
Hereditary cancer-predisposing syndrome. Also called: Tumor predisposition; Neoplastic Syndromes, Hereditary; Hereditary Cancer Syndrome; Hereditary neoplastic syndrome. Identifiers: Orphanet 140162, MedGen C0027672, MeSH D009386, MONDO:0015356.
BRCA2-related cancer predisposition. Identifiers: MedGen CN377758, MONDO:0700269.
Hereditary breast ovarian cancer syndrome. Also called: Hereditary breast and ovarian cancer syndrome (HBOC); Hereditary breast and ovarian cancer syndrome; Hereditary breast and ovarian cancer; Hereditary breast and/or ovarian cancer syndrome; Breast and ovarian cancer; BRCA1- and BRCA2-Associated Hereditary Breast and Ovarian Cancer. Identifiers: Orphanet 145, MedGen C0677776, MeSH D061325, MONDO:0003582. Disease mechanism: loss of function.
Breast-ovarian cancer, familial, susceptibility to, 2 (BROVCA2). Also called: BRCA2 Hereditary Breast and Ovarian Cancer. Identifiers: Orphanet 145, MedGen C2675520, MONDO:0012933, OMIM 612555. Disease mechanism: loss of function.
Breast-ovarian cancer, familial, susceptibility to, 1 (BROVCA1). Also called: OVARIAN CANCER, SUSCEPTIBILITY TO; BRCA1 Hereditary Breast and Ovarian Cancer. Identifiers: Orphanet 145, MedGen C2676676, MONDO:0011450, OMIM 604370. Disease mechanism: loss of function.

Allele frequency attached by ClinVar (database versions not stated): gnomAD exomes below 0.00001.
gnomAD v4.1: 8 of 1,614,190 alleles (0.0005%); highest among the groups gnomAD compares: Non-Finnish European, 0.00068%; no homozygotes.

Submissions (10):

Labcorp Genetics (formerly Invitae), Labcorp
Classification: Likely benign for Hereditary breast ovarian cancer syndrome. Last evaluated: 2026-01-30. Review status: criteria provided, single submitter. Criteria: Invitae Variant Classification Sherloc (09022015). Collection method: clinical testing. Allele origin: germline.

Quest Diagnostics Nichols Institute San Juan Capistrano
Classification: Uncertain significance. Last evaluated: 2025-01-06. Review status: criteria provided, single submitter. Criteria: Quest Diagnostics criteria. Collection method: clinical testing. Allele origin: unknown.
Comment: The BRCA2 c.7499G>C (p.Arg2500Thr) variant has been reported in the published literature as likely benign in a multifactorial likelihood study (PMID: 31131967 (2019)). The frequency of this variant in the general population (Genome Aggregation Database) is uninformative in the assessment of its pathogenicity. Analysis of this variant using bioinformatics tools for the prediction of the effect of amino acid changes on protein structure and function yielded predictions that this variant is benign. Based on the available information, we are unable to determine the clinical significance of this variant.

Institute of Immunology and Genetics Kaiserslautern
Classification: Uncertain significance for Breast-ovarian cancer, familial, susceptibility to, 1. Last evaluated: 2024-07-02. Review status: criteria provided, single submitter. Criteria: ACMG Guidelines, 2015. Collection method: clinical testing. Allele origin: germline. Affected: yes.
Comment: ACMG Criteria: PM2_P; Variant was found in heterozygous state

All of Us Research Program, National Institutes of Health
Classification: Uncertain significance for BRCA2-related cancer predisposition. Last evaluated: 2024-02-22. Review status: criteria provided, single submitter. Criteria: ACMG Guidelines, 2015. Collection method: clinical testing. Allele origin: germline. Inheritance: Autosomal dominant inheritance. Observed: 1 variant allele, 1 heterozygote.
Comment: This missense variant replaces arginine with threonine at codon 2500 of the BRCA2 protein. Computational prediction suggests that this variant may not impact protein structure and function (internally defined REVEL score threshold <= 0.5, PMID: 27666373). To our knowledge, functional studies have not been reported for this variant. This variant has been reported with a family history likelihood ratio for pathogenicity of 0.2879 (PMID: 31131967). This variant has been identified in 1/251428 chromosomes in the general population by the Genome Aggregation Database (gnomAD). Although there is a suspicion that this variant may not be associated with disease, additional studies are necessary to determine the role of this variant in disease conclusively. Therefore, this variant is classified as a Variant of Uncertain Significance.

This study involves interpretation of variants in research participants for the purpose of population health screening. Participant phenotype was not available at the time of variant classification. Additional details can be found in publication PMID: 35346344, PMCID: PMC8962531

Color Diagnostics, LLC DBA Color Health
Classification: Uncertain significance for Hereditary cancer-predisposing syndrome. Last evaluated: 2024-01-31. Review status: criteria provided, single submitter. Criteria: ACMG Guidelines, 2015. Collection method: clinical testing. Allele origin: germline.
Comment: This missense variant replaces arginine with threonine at codon 2500 of the BRCA2 protein. Computational prediction suggests that this variant may not impact protein structure and function. To our knowledge, functional studies have not been reported for this variant. This variant has been reported with a family history likelihood ratio for pathogenicity of 0.2879 (PMID: 31131967). This variant has been identified in 1/251428 chromosomes in the general population by the Genome Aggregation Database (gnomAD). Although there is a suspicion that this variant may not be associated with disease, additional studies are necessary to determine the role of this variant in disease conclusively. Therefore, this variant is classified as a Variant of Uncertain Significance.

Women's Health and Genetics/Laboratory Corporation of America, LabCorp
Classification: Uncertain significance. Last evaluated: 2021-06-26. Review status: criteria provided, single submitter. Criteria: LabCorp Variant Classification Summary - May 2015. Collection method: clinical testing. Allele origin: germline.
Comment: Variant summary: BRCA2 c.7499G>C (p.Arg2500Thr) results in a non-conservative amino acid change located in the Breast cancer type 2 susceptibility protein, helical domain of the encoded protein sequence. Four of five in-silico tools predict a benign effect of the variant on protein function. The variant allele was found at a frequency of 4e-06 in 251428 control chromosomes (gnomAD). The available data on variant occurrences in the general population are insufficient to allow any conclusion about variant significance. To our knowledge, no occurrence of c.7499G>C in individuals affected with Hereditary Breast and Ovarian Cancer and no experimental evidence demonstrating its impact on protein function have been reported. A recent publication involving the ENIGMA network of collaborators (Parsons_2019) assigned a classification of likely benign based on likelihood ratios (LRs) for pathogenicity estimated from clinical data of co-occurrence, family history and bioinformatic predictions; however, no evidence was provided for independent assessment. Two ClinVar submitters (evaluation after 2014) cite the variant as likely benign. Based on the evidence outlined above, the variant was classified as uncertain significance.

GeneDx
Classification: Likely benign. Last evaluated: 2018-07-02. Review status: criteria provided, single submitter. Criteria: GeneDx Variant Classification Process June 2021. Collection method: clinical testing. Allele origin: germline. Affected: yes.
Comment: This variant is associated with the following publications: (PMID: 19043619)

Ambry Genetics
Classification: Benign for Hereditary cancer-predisposing syndrome. Last evaluated: 2014-11-19. Review status: criteria provided, single submitter. Criteria: Ambry Variant Classification Scheme 2023. Collection method: clinical testing. Allele origin: germline.

Sharing Clinical Reports Project (SCRP)
Classification: Benign for Breast-ovarian cancer, familial 2. Last evaluated: 2012-05-15. Review status: no assertion criteria provided. Collection method: clinical testing. Allele origin: germline. Not counted in ClinVar's aggregate classification.

Breast Cancer Information Core (BIC) (BRCA2)
Classification: Uncertain significance for Breast-ovarian cancer, familial 2. Last evaluated: 2004-02-20. Review status: no assertion criteria provided. Collection method: clinical testing. Allele origin: germline. Affected: yes. Observed: 2 variant alleles. Not counted in ClinVar's aggregate classification.

Literature cited by the submitters: PubMed 31131967 (cited by 4 submitters); PubMed 19043619 (cited by Quest Diagnostics Nichols Institute San Juan Capistrano and Women's Health and Genetics/Laboratory Corporation of America, LabCorp); PubMed 30212499 (cited by Women's Health and Genetics/Laboratory Corporation of America, LabCorp).